The following is an entry in ClinVar:

NM_002350.4(LYN):c.31A>G (p.Ser11Gly)

Gene: LYN (LYN proto-oncogene, Src family tyrosine kinase; plus strand). Cytogenetic location: 8q12.1.
Variant type: single nucleotide variant.
Coding change: c.31A>G on transcript NM_002350.4 (MANE Select); coding-DNA position 31, A replaced by G.
Protein change: p.Ser11Gly; replaces serine 11 with glycine.
Molecular consequence: missense variant.
Genome position (GRCh38, 1-based): chr8:55,941,890, A>G. VCF-style: chr8-55941890-A-G. GRCh37 (hg19) VCF-style: chr8-56854449-A-G.
Other names: c.31A>G, p.Ser11Gly (NM_001111097.3); short protein forms S11G.
Identifiers: ClinVar variation 1007962 (VCV001007962.8), dbSNP rs1806621966, ClinGen allele CA371277734.

ClinVar aggregate classification (germline): Uncertain significance (1 of 4 stars; one submission).

gnomAD v4.1: 1 of 1,613,004 alleles (0.000062%); no homozygotes.

Submission:

Labcorp Genetics (formerly Invitae), Labcorp
Classification: Uncertain significance. Last evaluated: 2024-07-01. Review status: criteria provided, single submitter. Criteria: Invitae Variant Classification Sherloc (09022015). Collection method: clinical testing. Allele origin: germline.
Comment: This sequence change replaces serine, which is neutral and polar, with glycine, which is neutral and non-polar, at codon 11 of the LYN protein (p.Ser11Gly). This variant is not present in population databases (gnomAD no frequency). This variant has not been reported in the literature in individuals affected with LYN-related conditions. ClinVar contains an entry for this variant (Variation ID: 1007962). An algorithm developed to predict the effect of missense changes on protein structure and function (PolyPhen-2) suggests that this variant is likely to be tolerated. In summary, the available evidence is currently insufficient to determine the role of this variant in disease. Therefore, it has been classified as a Variant of Uncertain Significance.